The following is an entry in ClinVar:

NM_025243.4(SLC19A3):c.548C>T (p.Ala183Val)

Gene: SLC19A3 (solute carrier family 19 member 3; minus strand). Cytogenetic location: 2q36.3.
Variant type: single nucleotide variant.
Coding change: c.548C>T on transcript NM_025243.4 (MANE Select); coding-DNA position 548, C replaced by T.
Protein change: p.Ala183Val; replaces alanine 183 with valine.
Molecular consequence: missense variant.
Genome position (GRCh38, 1-based): chr2:227,699,167, G>A on the plus strand (C>T on the coding strand, the complement: SLC19A3 is on the minus strand). VCF-style: chr2-227699167-G-A. GRCh37 (hg19) VCF-style: chr2-228563883-G-A.
Other names: short protein forms A183V.
Identifiers: ClinVar variation 635037 (VCV000635037.3), dbSNP rs199970847, ClinGen allele CA66660417.
Genomic context (GRCh38, chr2:227,699,167, plus strand): 5'-GGTTTTGCATGAAAAAACATGCTTTTCTTGGGCATTGGTAGGAAAAGTGAGAAAAGGAAA[G>A]CCACGGAGACAGAGGCCAAGGATATGACGTTGAGGTAAAAGTACGACATGTTCGCCAGGG-3'
Protein context (NP_079519.1, residues 173-193): NVISLASVSV[Ala183Val]FLFSLFLPMP

ClinVar aggregate classification (germline): Conflicting classifications of pathogenicity. Review status: criteria provided, conflicting classifications (1 of 4 stars). 2 submissions from 2 submitters: Likely pathogenic (1); Uncertain significance (1). Last evaluated 2024-07-23.

Conditions:
Biotin-responsive basal ganglia disease (BTBGD). Also called: Thiamine metabolism dysfunction syndrome 2 (biotin- or thiamine-responsive encephalopathy type 2); THIAMINE METABOLISM DYSFUNCTION SYNDROME 2 (BIOTIN- AND THIAMINE-RESPONSIVE TYPE); Thiamine metabolism dysfunction syndrome type 2; Thiamine Transporter-2 Deficiency; thiamine-responsive encephalopathy. Identifiers: Orphanet 199348, Orphanet 65284, MedGen C1843807, MONDO:0011841, OMIM 607483.

Submissions (2):

Women's Health and Genetics/Laboratory Corporation of America, LabCorp
Classification: Likely pathogenic for Biotin-responsive basal ganglia disease. Last evaluated: 2024-07-23. Review status: criteria provided, single submitter. Criteria: LabCorp Variant Classification Summary - May 2015. Collection method: clinical testing. Allele origin: germline.
Comment: Variant summary: SLC19A3 c.548C>T (p.Ala183Val) results in a non-conservative amino acid change in the encoded protein sequence. Five of five in-silico tools predict a damaging effect of the variant on protein function. The variant was absent in 251464 control chromosomes. c.548C>T has been reported in the literature in at least two homozygous siblings affected with Basal ganglia disease, biotin-thiamine-responsive (e.g., Savasta_2019). It has also been reported in one compound heterozygous and one homoygous individual with clinical features of SLC19A3-related conditions (e.g., Monies_2019, Cavirani_2024). These data indicate that the variant is likely to be associated with disease. To our knowledge, no experimental evidence demonstrating an impact on protein function has been reported. The following publications have been ascertained in the context of this evaluation (PMID: 38279250, 31130284, 31061755). ClinVar contains an entry for this variant (Variation ID: 635037). Based on the evidence outlined above, the variant was classified as likely pathogenic.

Broad Center for Mendelian Genomics, Broad Institute of MIT and Harvard
Classification: Uncertain significance for Biotin-responsive basal ganglia disease. Last evaluated: 2018-06-15. Review status: criteria provided, single submitter. Criteria: ACMG Guidelines, 2015. Collection method: research. Allele origin: germline. Inheritance: Autosomal recessive inheritance. Affected: yes. Clinical features observed: Abnormality of brain morphology.
Comment: The homozygous p.Ala183Val variant was identified by our study in two siblings with thiamine metabolism dysfunction syndrome. This variant was absent from large population studies. The Alanine (Ala) at position 183 is highly conserved in mammals and evolutionarily distant species, raising the possibility that a change at this position may not be tolerated. Computational prediction tools suggest that this variant may impact the protein, though this information is not predictive enough to determine pathogenicity. In summary, the clinical significance of this variant is uncertain.

Literature cited by the submitters: PubMed 31130284 (cited by Women's Health and Genetics/Laboratory Corporation of America, LabCorp); PubMed 38279250 (cited by Women's Health and Genetics/Laboratory Corporation of America, LabCorp); PubMed 31061755 (cited by Women's Health and Genetics/Laboratory Corporation of America, LabCorp).